The following is an entry in ClinVar:

NM_194248.3(OTOF):c.1366G>A (p.Val456Met)

Gene: OTOF (otoferlin; minus strand). Cytogenetic location: 2p23.3.
Variant type: single nucleotide variant.
Coding change: c.1366G>A on transcript NM_194248.3 (MANE Select); coding-DNA position 1366, G replaced by A.
Protein change: p.Val456Met; replaces valine 456 with methionine.
Molecular consequence: missense variant.
Genome position (GRCh38, 1-based): chr2:26,483,488, C>T on the plus strand (G>A on the coding strand, the complement: OTOF is on the minus strand). VCF-style: chr2-26483488-C-T. GRCh37 (hg19) VCF-style: chr2-26706356-C-T.
Other names: c.1366G>A, p.Val456Met (NM_001287489.2); short protein forms V456M.
Identifiers: ClinVar variation 1722811 (VCV001722811.2), dbSNP rs753282692, ClinGen allele CA1564303.

ClinVar aggregate classification (germline): Uncertain significance (1 of 4 stars; one submission).

Allele frequency attached by ClinVar (database versions not stated): ExAC 0.00001; gnomAD 0.00001; TOPMed 0.00001; gnomAD exomes 0.00003.
gnomAD v4.1: 49 of 1,613,810 alleles (0.003%); highest among the groups gnomAD compares: Non-Finnish European, 0.0041%; no homozygotes.

Submission:

GeneDx
Classification: Uncertain significance. Last evaluated: 2022-05-05. Review status: criteria provided, single submitter. Criteria: GeneDx Variant Classification Process June 2021. Collection method: clinical testing. Allele origin: germline. Affected: yes.
Comment: Not observed at significant frequency in large population cohorts (gnomAD); In silico analysis supports that this missense variant has a deleterious effect on protein structure/function; Has not been previously published as pathogenic or benign to our knowledge